The following is an entry in ClinVar:

ClinVar aggregate classification (germline): Pathogenic. Review status: criteria provided, multiple submitters, no conflicts (2 of 4 stars). 2 submissions from 2 submitters: Pathogenic (2). Last evaluated 2025-08-24.

Conditions:
Phenylketonuria (PKU). Also called: FOLLING DISEASE; OLIGOPHRENIA PHENYLPYRUVICA; Phenylketonurias; Phenylketonuria (PKU). Identifiers: Orphanet 716, MedGen C0031485, MONDO:0009861, OMIM 261600. Disease mechanism: loss of function.

Submissions (2):

Myriad Genetics, Inc.
Classification: Pathogenic for Phenylketonuria. Last evaluated: 2025-08-24. Review status: criteria provided, single submitter. Criteria: Myriad Autosomal Dominant, Autosomal Recessive and X-Linked Classification Criteria (2023). Collection method: clinical testing. Allele origin: unknown.
Comment: NM_000277.1(PAH):c.447delT(F149Lfs*46) is expected to be pathogenic in the context of phenylalanine hydroxylase deficiency. This variant is predicted to lead to an abnormal or absent protein product due to the creation of a premature termination codon in PAH, a gene where loss-of-function variants are known to be pathogenic. Please note: this variant was assessed in the context of healthy population screening.

3billion
Classification: Pathogenic for Phenylketonuria. Last evaluated: 2023-12-08. Review status: criteria provided, single submitter. Criteria: ACMG Guidelines, 2015. Collection method: clinical testing. Allele origin: germline. Affected: yes.
Comment: The variant is not observed in the gnomAD v2.1.1 dataset. Predicted Consequence/Location: Frameshift: predicted to result in a loss or disruption of normal protein function through nonsense-mediated decay (NMD) or protein truncation. Multiple pathogenic variants are reported downstream of the variant. Therefore, this variant is classified as Pathogenic according to the recommendation of ACMG/AMP guideline.

NM_000277.3(PAH):c.447del (p.Phe149fs)

Gene: PAH (phenylalanine hydroxylase; minus strand). Cytogenetic location: 12q23.2.
Variant type: Deletion.
Coding change: c.447del on transcript NM_000277.3 (MANE Select); coding-DNA position 447, one base deleted (T; older notation c.447delT).
Protein change: p.Phe149fs; shifts the reading frame from phenylalanine 149.
Molecular consequence: frameshift variant.
Genome position (GRCh38, 1-based): chr12:102,866,658, A deleted on the plus strand (T on the coding strand, the reverse complement: PAH is on the minus strand); the first of 4 consecutive A bases (chr12:102,866,658-102,866,661); deleting any one gives the same sequence. VCF-style (leftmost placement, unchanged base first): chr12-102866657-TA-T. GRCh37 (hg19) VCF-style: chr12-103260435-TA-T.
Other names: c.447del, p.Phe149fs (NM_001354304.2); short protein forms F149fs.
Identifiers: ClinVar variation 3775347 (VCV003775347.2).
Genomic context (GRCh38, chr12:102,866,657, plus strand): 5'-GGCGGTAGTTGTAGGCAATGTCAGCAAACTGCTTCCGTCTTGCACGGTACACAGGATCTT[TA>T]AAACCCTAGGAGAAAAGAGACACCTGATTTTTCAAGGCTTCATAGGAAGAGGTCTGGTAC-3'